The following is an entry in ClinVar:

NM_015102.5(NPHP4):c.3770C>T (p.Thr1257Ile)

Gene: NPHP4 (nephrocystin 4; minus strand). Cytogenetic location: 1p36.31.
Variant type: single nucleotide variant.
Coding change: c.3770C>T on transcript NM_015102.5 (MANE Select); coding-DNA position 3770, C replaced by T.
Protein change: p.Thr1257Ile; replaces threonine 1257 with isoleucine.
Molecular consequence: missense variant. On other transcripts: non-coding transcript variant (1).
Genome position (GRCh38, 1-based): chr1:5,865,148, G>A on the plus strand (C>T on the coding strand, the complement: NPHP4 is on the minus strand). VCF-style: chr1-5865148-G-A. GRCh37 (hg19) VCF-style: chr1-5925208-G-A.
Other names: c.3770C>T (NM_015102.3, NM_015102.4); c.2231C>T, p.Thr744Ile (NM_001291593.2); c.2234C>T, p.Thr745Ile (NM_001291594.2); short protein forms T1257I, T745I, T744I.
Identifiers: ClinVar variation 593289 (VCV000593289.14), dbSNP rs746967083, ClinGen allele CA553475.

ClinVar aggregate classification (germline): Uncertain significance. Review status: criteria provided, multiple submitters, no conflicts (2 of 4 stars). 5 submissions from 5 submitters: Uncertain significance (4). 1 of the submissions does not count toward it. Last evaluated 2025-08-23.

Conditions:
NPHP4-related disorder. Also called: NPHP4-related disorders; NPHP4-related condition. Identifiers: MedGen CN239384.
Nephronophthisis. Also called: Juvenile Nephronophthisis. Identifiers: Orphanet 655, MedGen C0687120, MONDO:0019005, HP:0000090.
Inborn genetic diseases. Identifiers: MedGen C0950123, MeSH D030342.
Senior-Loken syndrome 4 (SLSN4). Identifiers: Orphanet 3156, MedGen C1846979, MONDO:0011756, OMIM 606996.
Nephronophthisis 4 (NPHP4). Also called: NEPHRONOPHTHISIS 4, JUVENILE. Identifiers: Orphanet 655, MedGen C1847013, MONDO:0011752, OMIM 606966.

Allele frequency attached by ClinVar (database versions not stated): TOPMed 0.00009; gnomAD exomes 0.00001; ExAC 0.00003; gnomAD 0.00006 and 0.00009.
gnomAD v4.1: 29 of 1,613,588 alleles (0.0018%); highest among the groups gnomAD compares: African/African-American, 0.039%; no homozygotes.

Submissions (5):

Ambry Genetics
Classification: Uncertain significance for Inborn genetic diseases. Last evaluated: 2025-08-23. Review status: criteria provided, single submitter. Criteria: Ambry Variant Classification Scheme 2023. Collection method: clinical testing. Allele origin: germline.

Labcorp Genetics (formerly Invitae), Labcorp
Classification: Uncertain significance for Nephronophthisis. Last evaluated: 2025-05-16. Review status: criteria provided, single submitter. Criteria: Invitae Variant Classification Sherloc (09022015). Collection method: clinical testing. Allele origin: germline.
Comment: This sequence change replaces threonine, which is neutral and polar, with isoleucine, which is neutral and non-polar, at codon 1257 of the NPHP4 protein (p.Thr1257Ile). This variant is present in population databases (rs746967083, gnomAD 0.03%). This variant has not been reported in the literature in individuals affected with NPHP4-related conditions. ClinVar contains an entry for this variant (Variation ID: 593289). Invitae Evidence Modeling of protein sequence and biophysical properties (such as structural, functional, and spatial information, amino acid conservation, physicochemical variation, residue mobility, and thermodynamic stability) has been performed for this missense variant. However, the output from this modeling did not meet the statistical confidence thresholds required to predict the impact of this variant on NPHP4 protein function. In summary, the available evidence is currently insufficient to determine the role of this variant in disease. Therefore, it has been classified as a Variant of Uncertain Significance.

Fulgent Genetics
Classification: Uncertain significance for Nephronophthisis 4; Senior-Loken syndrome 4. Last evaluated: 2024-05-10. Review status: criteria provided, single submitter. Criteria: ACMG Guidelines, 2015. Collection method: clinical testing. Allele origin: germline.

Eurofins Ntd Llc (ga)
Classification: Uncertain significance. Last evaluated: 2017-07-19. Review status: criteria provided, single submitter. Criteria: EGL Classification Definitions 2015. Collection method: clinical testing. Allele origin: germline. Observed: 2 variant alleles, 2 heterozygotes.

PreventionGenetics, part of Exact Sciences
Classification: Uncertain significance for NPHP4-related condition. Last evaluated: 2024-03-21. Review status: no assertion criteria provided. Collection method: clinical testing. Allele origin: germline. Not counted in ClinVar's aggregate classification.
Comment: The NPHP4 c.3770C>T variant is predicted to result in the amino acid substitution p.Thr1257Ile. To our knowledge, this variant has not been reported in the literature. This variant is reported in 0.029% of alleles in individuals of African descent in gnomAD. At this time, the clinical significance of this variant is uncertain due to the absence of conclusive functional and genetic evidence.